The following is an entry in ClinVar:

ClinVar aggregate classification (germline): Benign (1 of 4 stars; one submission).

gnomAD v4.1: 214 of 1,611,092 alleles (0.013%); highest among the groups gnomAD compares: East Asian, 0.27%; no homozygotes.

Submission:

CeGaT Center for Human Genetics Tuebingen
Classification: Benign. Last evaluated: 2025-05-01. Review status: criteria provided, single submitter. Criteria: CeGaT Center For Human Genetics Tuebingen Variant Classification Criteria Version 2. Collection method: clinical testing. Allele origin: germline. Affected: yes. Observed: 1 variant allele.
Comment: CUX1: BS1, BS2

NM_001913.5(CUX1):c.1726G>A (p.Glu576Lys)

Gene: CUX1 (cut like homeobox 1; plus strand). Cytogenetic location: 7q22.1.
Variant type: single nucleotide variant.
Coding change: c.1726G>A on transcript NM_001913.5 (MANE Plus Clinical); coding-DNA position 1726, G replaced by A.
Protein change: p.Glu576Lys; replaces glutamic acid 576 with lysine.
Molecular consequence: missense variant.
Genome position (GRCh38, 1-based): chr7:102,280,082, G>A. VCF-style: chr7-102280082-G-A. GRCh37 (hg19) VCF-style: chr7-101923374-G-A.
Other names: c.1678G>A, p.Glu560Lys (NM_001202544.3); c.1588G>A, p.Glu530Lys (NM_001202545.3); c.1609G>A, p.Glu537Lys (NM_001202546.3); c.1720G>A, p.Glu574Lys (NM_181500.4); short protein forms E530K, E537K, E560K, E574K, E576K.
Identifiers: ClinVar variation 3905435 (VCV003905435.10).
Genomic context (GRCh38, chr7:102,280,082, plus strand): 5'-TCCCTGTCTGTGCAGGGCAGCGGCAGTGATGACACGGAGCTGCGGTACTCGTCCCAGTAC[G>A]AGGAGCGCCTGGACCCCTTCTCCTCCTTCAGCAAGCGGGTTCGTGAGCCCAGCCTGGGCA-3'
Protein context (NP_001904.2, residues 566-586): DTELRYSSQY[Glu576Lys]ERLDPFSSFS